The following is an entry in ClinVar:

ClinVar aggregate classification (germline): Likely benign. Review status: criteria provided, multiple submitters, no conflicts (2 of 4 stars). 2 submissions from 2 submitters: Likely benign (2). Last evaluated 2025-08-20.

Conditions:
Fanconi anemia (FA). Also called: Fanconi's anemia. Identifiers: Orphanet 84, MedGen C0015625, MeSH D005199, MONDO:0019391.

gnomAD v4.1: 7 of 1,614,212 alleles (0.00043%); highest among the groups gnomAD compares: Non-Finnish European, 0.00059%; no homozygotes.

Submissions (2):

Labcorp Genetics (formerly Invitae), Labcorp
Classification: Likely benign for Fanconi anemia. Last evaluated: 2025-08-20. Review status: criteria provided, single submitter. Criteria: Invitae Variant Classification Sherloc (09022015). Collection method: clinical testing. Allele origin: germline.

CeGaT Center for Human Genetics Tuebingen
Classification: Likely benign. Last evaluated: 2022-04-01. Review status: criteria provided, single submitter. Criteria: CeGaT Center For Human Genetics Tuebingen Variant Classification Criteria Version 2. Collection method: clinical testing. Allele origin: germline. Affected: yes. Observed: 1 variant allele.
Comment: SLX4: PM2:Supporting, BP4, BP7

NM_032444.4(SLX4):c.5097T>C (p.Ser1699=)

Gene: SLX4 (SLX4 structure-specific endonuclease subunit; minus strand). Cytogenetic location: 16p13.3.
Variant type: single nucleotide variant.
Coding change: c.5097T>C on transcript NM_032444.4 (MANE Select); coding-DNA position 5097, T replaced by C.
Protein change: p.Ser1699=; no amino-acid change (serine 1699 retained).
Molecular consequence: synonymous variant.
Genome position (GRCh38, 1-based): chr16:3,583,153, A>G on the plus strand (T>C on the coding strand, the complement: SLX4 is on the minus strand). VCF-style: chr16-3583153-A-G. GRCh37 (hg19) VCF-style: chr16-3633154-A-G.
Identifiers: ClinVar variation 1694784 (VCV001694784.36), dbSNP rs202099433, ClinGen allele CA276952572.